The following is an entry in ClinVar:

NM_000264.5(PTCH1):c.746T>A (p.Leu249Gln)

Gene: PTCH1 (patched 1; minus strand). Cytogenetic location: 9q22.32.
Variant type: single nucleotide variant.
Coding change: c.746T>A on transcript NM_000264.5 (MANE Select); coding-DNA position 746, T replaced by A.
Protein change: p.Leu249Gln; replaces leucine 249 with glutamine.
Molecular consequence: missense variant. On other transcripts: non-coding transcript variant (1).
Genome position (GRCh38, 1-based): chr9:95,481,949, A>T on the plus strand (T>A on the coding strand, the complement: PTCH1 is on the minus strand). VCF-style: chr9-95481949-A-T. GRCh37 (hg19) VCF-style: chr9-98244231-A-T.
Other names: c.548T>A, p.Leu183Gln (NM_001083602.3, NM_001354919.2); c.743T>A, p.Leu248Gln (NM_001083603.3); c.293T>A, p.Leu98Gln (NM_001083604.3, NM_001083605.3, NM_001083606.3 and 1 more transcripts); c.746T>A, p.Leu249Gln (NM_001354918.2); short protein forms L98Q, L183Q, L248Q, L249Q.
Identifiers: ClinVar variation 3784663 (VCV003784663.1).

ClinVar aggregate classification (germline): Uncertain significance (1 of 4 stars; one submission).

Conditions:
Hereditary cancer-predisposing syndrome. Also called: Neoplastic Syndromes, Hereditary; Hereditary Cancer Syndrome; Tumor predisposition; Hereditary neoplastic syndrome. Identifiers: Orphanet 140162, MedGen C0027672, MeSH D009386, MONDO:0015356.

Submission:

Ambry Genetics
Classification: Uncertain significance for Hereditary cancer-predisposing syndrome. Last evaluated: 2025-03-06. Review status: criteria provided, single submitter. Criteria: Ambry Variant Classification Scheme 2023. Collection method: clinical testing. Allele origin: germline.
Comment: The c.746T>A variant (also known as p.L249Q), located in coding exon 5 of the PTCH1 gene, results from a T to A substitution at nucleotide position 746. The amino acid change results in leucine to glutamine at codon 249, an amino acid with dissimilar properties. This amino acid position is not well conserved in available vertebrate species. In addition, this alteration is predicted to be tolerated by in silico analysis. Based on the available evidence, the clinical significance of this variant remains unclear.